The following is an entry in ClinVar:

NM_005051.3(QARS1):c.117+6A>C

Genes: QARS1 (glutaminyl-tRNA synthetase 1; minus strand), LOC129936736 (ATAC-STARR-seq lymphoblastoid active region 19853; plus strand). Cytogenetic location: 3p21.31.
Variant type: single nucleotide variant.
Coding change: c.117+6A>C on transcript NM_005051.3 (MANE Select); 6 bases into the intron after coding-DNA position 117, A replaced by C.
Molecular consequence: intron variant.
Genome position (GRCh38, 1-based): chr3:49,104,611, T>G on the plus strand (A>C on the coding strand, the complement: QARS1 is on the minus strand). VCF-style: chr3-49104611-T-G. GRCh37 (hg19) VCF-style: chr3-49142044-T-G.
Other names: c.117+6A>C (NM_001272073.2).
Identifiers: ClinVar variation 1403192 (VCV001403192.8), dbSNP rs1397101113, ClinGen allele CA543047976.

ClinVar aggregate classification (germline): Uncertain significance (1 of 4 stars; one submission).

Conditions:
Diffuse cerebral and cerebellar atrophy - intractable seizures - progressive microcephaly syndrome. Also called: Microcephaly, progressive, with seizures and cerebral and cerebellar atrophy. Identifiers: Orphanet 404437, MedGen C4014239, MONDO:0014335, OMIM 615760.

Allele frequency attached by ClinVar (database versions not stated): gnomAD 0.00001; gnomAD exomes 0.00001.
gnomAD v4.1: 4 of 1,599,920 alleles (0.00025%); highest among the groups gnomAD compares: Middle Eastern, 0.017%; no homozygotes.

Submission:

Labcorp Genetics (formerly Invitae), Labcorp
Classification: Uncertain significance for Diffuse cerebral and cerebellar atrophy - intractable seizures - progressive microcephaly syndrome. Last evaluated: 2021-02-03. Review status: criteria provided, single submitter. Criteria: Invitae Variant Classification Sherloc (09022015). Collection method: clinical testing. Allele origin: germline.
Comment: In summary, the available evidence is currently insufficient to determine the role of this variant in disease. Therefore, it has been classified as a Variant of Uncertain Significance. Nucleotide substitutions within the consensus splice site are a relatively common cause of aberrant splicing (PMID: 17576681, 9536098). Algorithms developed to predict the effect of sequence changes on RNA splicing suggest that this variant is not likely to affect RNA splicing, but this prediction has not been confirmed by published transcriptional studies. This variant has not been reported in the literature in individuals with QARS-related conditions. This variant is not present in population databases (ExAC no frequency). This sequence change falls in intron 1 of the QARS gene. It does not directly change the encoded amino acid sequence of the QARS protein, but it affects a nucleotide within the consensus splice site of the intron.

Literature cited by the submitters: PubMed 17576681; PubMed 9536098.